The following is an entry in ClinVar:

NM_001042492.3(NF1):c.5609+2T>A

Gene: NF1 (neurofibromin 1; plus strand). Cytogenetic location: 17q11.2.
Variant type: single nucleotide variant.
Coding change: c.5609+2T>A on transcript NM_001042492.3 (MANE Select); the canonical splice donor site of the intron after coding-DNA position 5609, T replaced by A.
Molecular consequence: splice donor variant.
Genome position (GRCh38, 1-based): chr17:31,327,841, T>A. VCF-style: chr17-31327841-T-A. GRCh37 (hg19) VCF-style: chr17-29654859-T-A.
Other names: c.5546+2T>A (NM_000267.4).
Identifiers: ClinVar variation 4531171 (VCV004531171.2).
Genomic context (GRCh38, chr17:31,327,841, plus strand): 5'-CCTGGGACACTGCTCAATATCGCATTACTTAATTTAGGCAGTTCTGACCCGAGTTTACGG[T>A]AGGTTTTTTAAAATTCTCTTCAGTTTGATTTGGGGTTTGTTGCTTTTAAAATGAGACCAT-3'

ClinVar aggregate classification (germline): Pathogenic (1 of 4 stars; one submission).

Conditions:
Neurofibromatosis, type 1 (NF1). Also called: Neurofibromatosis, type I; Peripheral type neurofibromatosis; VON RECKLINGHAUSEN DISEASE; NEUROFIBROMATOSIS, TYPE I, SOMATIC. Identifiers: Orphanet 636, MedGen C0027831, MONDO:0018975, OMIM 162200. Disease mechanism: loss of function.

Submission:

Labcorp Genetics (formerly Invitae), Labcorp
Classification: Pathogenic for Neurofibromatosis, type 1. Last evaluated: 2025-02-06. Review status: criteria provided, single submitter. Criteria: Invitae Variant Classification Sherloc (09022015). Collection method: clinical testing. Allele origin: germline.
Comment: This sequence change affects a donor splice site in intron 37 of the NF1 gene. It is expected to disrupt RNA splicing. Variants that disrupt the donor or acceptor splice site typically lead to a loss of protein function (PMID: 16199547), and loss-of-function variants in NF1 are known to be pathogenic (PMID: 10712197, 23913538). This variant is not present in population databases (gnomAD no frequency). Disruption of this splice site has been observed in individuals with neurofibromatosis, type 1 (PMID: 10712197, 21354044). Algorithms developed to predict the effect of sequence changes on RNA splicing suggest that this variant may disrupt the consensus splice site. For these reasons, this variant has been classified as Pathogenic.

Literature cited by the submitters: PubMed 16199547; PubMed 10712197; PubMed 23913538; PubMed 21354044.